The following is an entry in ClinVar:

ClinVar aggregate classification (germline): Pathogenic. Review status: criteria provided, multiple submitters, no conflicts (2 of 4 stars). 6 submissions from 6 submitters: Pathogenic (5). 1 of the submissions does not count toward it. Last evaluated 2025-11-30.

Conditions:
ABCC6-related disorder. Also called: ABCC6-related condition.
Autosomal recessive inherited pseudoxanthoma elasticum (PXE). Identifiers: Orphanet 758, MedGen CN032334, MONDO:0009925, OMIM 264800.
Arterial calcification, generalized, of infancy, 2. Identifiers: Orphanet 51608, MedGen C3276161, MONDO:0013768, OMIM 614473.
Pseudoxanthoma elasticum, forme fruste. Also called: Pseudoxanthoma Elasticum, Incomplete; PSEUDOXANTHOMA ELASTICUM, HETEROZYGOUS. Identifiers: Orphanet 758, MedGen C1867450, MONDO:0008333, OMIM 177850.

Allele frequency attached by ClinVar (database versions not stated): gnomAD 0.00001 and 0.00002; ExAC 0.00002; gnomAD exomes 0.00002; TOPMed 0.00002; 1000 Genomes Project 30x 0.00016; 1000 Genomes Project 0.00020.
gnomAD v4.1: 30 of 1,613,970 alleles (0.0019%); highest among the groups gnomAD compares: Admixed American, 0.0033%; no homozygotes.

Submissions (6):

Labcorp Genetics (formerly Invitae), Labcorp
Classification: Pathogenic. Last evaluated: 2025-11-30. Review status: criteria provided, single submitter. Criteria: Invitae Variant Classification Sherloc (09022015). Collection method: clinical testing. Allele origin: germline.
Comment: This sequence change creates a premature translational stop signal (p.Arg1275*) in the ABCC6 gene. It is expected to result in an absent or disrupted protein product. Loss-of-function variants in ABCC6 are known to be pathogenic (PMID: 11536079, 17617515). This variant is present in population databases (rs72653749, gnomAD 0.004%). This premature translational stop signal has been observed in individual(s) with pseudoxanthoma elasticum (PMID: 15459974). ClinVar contains an entry for this variant (Variation ID: 433294). For these reasons, this variant has been classified as Pathogenic.

GeneDx
Classification: Pathogenic. Last evaluated: 2022-07-21. Review status: criteria provided, single submitter. Criteria: GeneDx Variant Classification Process June 2021. Collection method: clinical testing. Allele origin: germline. Affected: yes.
Comment: Nonsense variant predicted to result in protein truncation or nonsense mediated decay in a gene for which loss-of-function is a known mechanism of disease; Not observed at significant frequency in large population cohorts (gnomAD); This variant is associated with the following publications: (PMID: 25525159, 34205333, 34451881, 23702584, 15459974, 34906475)

Fulgent Genetics
Classification: Pathogenic for Pseudoxanthoma elasticum, forme fruste; Autosomal recessive inherited pseudoxanthoma elasticum; Arterial calcification, generalized, of infancy, 2. Last evaluated: 2022-05-04. Review status: criteria provided, single submitter. Criteria: ACMG Guidelines, 2015. Collection method: clinical testing. Allele origin: unknown.

Blueprint Genetics
Classification: Pathogenic for ABCC6-related disorders. Last evaluated: 2021-09-28. Review status: criteria provided, single submitter. Criteria: ACMG Guidelines, 2015. Collection method: clinical testing. Allele origin: germline. Affected: yes. Observed: 5 variant alleles.

Juno Genomics, Hangzhou Juno Genomics, Inc
Classification: Pathogenic for Arterial calcification, generalized, of infancy, 2; Autosomal recessive inherited pseudoxanthoma elasticum; Pseudoxanthoma elasticum, forme fruste. Review status: criteria provided, single submitter. Criteria: ACMG Guidelines, 2015. Collection method: clinical testing. Allele origin: germline.
Comment: Null variant in a gene where loss of function (LOF) is a known mechanism of disease.;Absent from controls (or at extremely low frequency if recessive) in Genome Aggregation Database.;Patient's phenotype or family history is highly specific for a disease with a single genetic etiology.

PXE International
Classification: Likely pathogenic for Autosomal recessive inherited pseudoxanthoma elasticum. Last evaluated: 2021-03-01. Review status: no assertion criteria provided. Collection method: research. Allele origin: germline. Inheritance: Autosomal recessive inheritance. Affected: yes. Observed: 1 variant allele. Not counted in ClinVar's aggregate classification.

Literature cited by the submitters: PubMed 11536079 (cited by Labcorp Genetics (formerly Invitae), Labcorp); PubMed 17617515 (cited by Labcorp Genetics (formerly Invitae), Labcorp); PubMed 15459974 (cited by Labcorp Genetics (formerly Invitae), Labcorp); PubMed 23702584 (cited by PXE International).

NM_001171.6(ABCC6):c.3823C>T (p.Arg1275Ter)

Gene: ABCC6 (ATP binding cassette subfamily C member 6; minus strand). Cytogenetic location: 16p13.11.
Variant type: single nucleotide variant.
Coding change: c.3823C>T on transcript NM_001171.6 (MANE Select); coding-DNA position 3823, C replaced by T.
Protein change: p.Arg1275Ter; replaces arginine 1275 with a stop codon.
Molecular consequence: nonsense. On other transcripts: non-coding transcript variant (1).
Genome position (GRCh38, 1-based): chr16:16,157,722, G>A on the plus strand (C>T on the coding strand, the complement: ABCC6 is on the minus strand). VCF-style: chr16-16157722-G-A. GRCh37 (hg19) VCF-style: chr16-16251579-G-A.
Other names: c.3481C>T, p.Arg1161Ter (NM_001351800.1); short protein forms R1275*, R1161*.
Identifiers: ClinVar variation 433294 (VCV000433294.14), dbSNP rs72653749, ClinGen allele CA7925412.